The following is an entry in ClinVar:

NM_153676.4(USH1C):c.480_481del (p.Ser161fs)

Gene: USH1C (USH1 protein network component harmonin; minus strand). Cytogenetic location: 11p15.1.
Variant type: Microsatellite.
Coding change: c.480_481del on transcript NM_153676.4 (MANE Select); coding-DNA positions 480 to 481, 2 bases deleted (GT; older notation c.480_481delGT).
Protein change: p.Ser161fs; shifts the reading frame from serine 161.
Molecular consequence: frameshift variant. On other transcripts: non-coding transcript variant (1).
Genome position (GRCh38, 1-based): chr11:17,527,238-17,527,239, AC deleted on the plus strand (GT on the coding strand, the reverse complement: USH1C is on the minus strand); deleting any 2 consecutive bases within chr11:17,527,238-17,527,242 gives the same sequence; the c. name uses the placement nearest the transcript's 3' end. VCF-style (leftmost placement, unchanged base first): chr11-17527237-GAC-G. GRCh37 (hg19) VCF-style: chr11-17548784-GAC-G.
Other names: c.480_481del, p.Ser161fs (NM_001297764.2, NM_005709.4); short protein forms S161fs.
Identifiers: ClinVar variation 2798061 (VCV002798061.4), dbSNP rs1850741898, ClinGen allele CA1955187063.

ClinVar aggregate classification (germline): Pathogenic/Likely pathogenic. Review status: criteria provided, multiple submitters, no conflicts (2 of 4 stars). 2 submissions from 2 submitters: Pathogenic (1); Likely pathogenic (1). Last evaluated 2023-04-13.

Conditions:
USH1C-related disorder. Also called: USH1C-related condition.

Submissions (2):

Labcorp Genetics (formerly Invitae), Labcorp
Classification: Pathogenic. Last evaluated: 2023-04-13. Review status: criteria provided, single submitter. Criteria: Invitae Variant Classification Sherloc (09022015). Collection method: clinical testing. Allele origin: germline.
Comment: For these reasons, this variant has been classified as Pathogenic. This variant has not been reported in the literature in individuals affected with USH1C-related conditions. This variant is not present in population databases (gnomAD no frequency). This sequence change creates a premature translational stop signal (p.Ser161Hisfs*16) in the USH1C gene. It is expected to result in an absent or disrupted protein product. Loss-of-function variants in USH1C are known to be pathogenic (PMID: 10973247, 17407589, 20301442, 21203349).

Blueprint Genetics
Classification: Likely pathogenic for USH1C-related disorders. Last evaluated: 2022-01-28. Review status: criteria provided, single submitter. Criteria: ACMG Guidelines, 2015. Collection method: clinical testing. Allele origin: germline. Affected: yes. Observed: 1 variant allele.

Literature cited by the submitters: PubMed 10973247 (cited by Labcorp Genetics (formerly Invitae), Labcorp); PubMed 17407589 (cited by Labcorp Genetics (formerly Invitae), Labcorp); PubMed 20301442 (cited by Labcorp Genetics (formerly Invitae), Labcorp); PubMed 21203349 (cited by Labcorp Genetics (formerly Invitae), Labcorp).